The following is an entry in ClinVar:

ClinVar aggregate classification (germline): Conflicting classifications of pathogenicity. Review status: criteria provided, conflicting classifications (1 of 4 stars). 6 submissions from 6 submitters: Uncertain significance (4); Likely benign (2). Last evaluated 2025-11-19.

Conditions:
SPTB-related disorder. Also called: SPTB-Related Disorders; SPTB-related condition.

Allele frequency attached by ClinVar (database versions not stated): 1000 Genomes Project 30x 0.00031; 1000 Genomes Project 0.00040; gnomAD exomes 0.00057 and 0.00114; gnomAD 0.00063; ExAC 0.00067; TOPMed 0.00077; ESP Exome Variant Server 0.00092.
gnomAD v4.1: 1,756 of 1,614,152 alleles (0.11%); highest among the groups gnomAD compares: Non-Finnish European, 0.14%; 1 homozygote.

Submissions (6):

Labcorp Genetics (formerly Invitae), Labcorp
Classification: Likely benign. Last evaluated: 2025-11-19. Review status: criteria provided, single submitter. Criteria: Invitae Variant Classification Sherloc (09022015). Collection method: clinical testing. Allele origin: germline.

PreventionGenetics, part of Exact Sciences
Classification: Uncertain significance for SPTB-related condition. Last evaluated: 2025-10-30. Review status: criteria provided, single submitter. Criteria: ACMG Guidelines, 2015. Collection method: clinical testing. Allele origin: germline.
Comment: The SPTB c.5855T>C variant is predicted to result in the amino acid substitution p.Ile1952Thr. This variant was reported in an individual with Moyamoya angiopathy (Zanoni et al. 2023. PubMed ID: 37012328). This variant is reported in 0.12% of alleles in individuals of European (Non-Finnish) descent in gnomAD. Although we suspect that this variant may be benign, at this time, the clinical significance of this variant is uncertain due to the absence of conclusive functional and genetic evidence.

Blueprint Genetics
Classification: Uncertain significance. Last evaluated: 2024-11-21. Review status: criteria provided, single submitter. Criteria: ACMG Guidelines, 2015. Collection method: clinical testing. Allele origin: germline.

ARUP Laboratories, Molecular Genetics and Genomics, ARUP Laboratories
Classification: Likely benign. Last evaluated: 2024-11-01. Review status: criteria provided, single submitter. Criteria: ARUP Molecular Germline Variant Investigation Process 2024. Collection method: clinical testing. Allele origin: germline.

Mayo Clinic Laboratories, Mayo Clinic
Classification: Uncertain significance. Last evaluated: 2023-11-07. Review status: criteria provided, single submitter. Criteria: ACMG Guidelines, 2015. Collection method: clinical testing. Allele origin: germline. Observed: 2 variant alleles.

CeGaT Center for Human Genetics Tuebingen
Classification: Uncertain significance. Last evaluated: 2018-08-01. Review status: criteria provided, single submitter. Criteria: CeGaT Center For Human Genetics Tuebingen Variant Classification Criteria Version 2. Collection method: clinical testing. Allele origin: germline. Affected: yes. Observed: 1 variant allele.

NM_001355436.2(SPTB):c.5855T>C (p.Ile1952Thr)

Gene: SPTB (spectrin beta, erythrocytic; minus strand). Cytogenetic location: 14q23.3.
Variant type: single nucleotide variant.
Coding change: c.5855T>C on transcript NM_001355436.2 (MANE Select); coding-DNA position 5855, T replaced by C.
Protein change: p.Ile1952Thr; replaces isoleucine 1952 with threonine.
Molecular consequence: missense variant.
Genome position (GRCh38, 1-based): chr14:64,769,672, A>G on the plus strand (T>C on the coding strand, the complement: SPTB is on the minus strand). VCF-style: chr14-64769672-A-G. GRCh37 (hg19) VCF-style: chr14-65236390-A-G.
Other names: c.5855T>C, p.Ile1952Thr (NM_001024858.4, NM_001355437.2); c.5855T>C (NM_001024858.2); short protein forms I1952T.
Identifiers: ClinVar variation 618397 (VCV000618397.62), dbSNP rs138039383, ClinGen allele CA7229843.